The following is an entry in ClinVar:

NM_001458.5(FLNC):c.5753A>G (p.Tyr1918Cys)

Genes: FLNC-AS1 (FLNC antisense RNA 1; minus strand), FLNC (filamin C; plus strand). Cytogenetic location: 7q32.1.
Variant type: single nucleotide variant.
Coding change: c.5753A>G on transcript NM_001458.5 (MANE Select); coding-DNA position 5753, A replaced by G.
Protein change: p.Tyr1918Cys; replaces tyrosine 1918 with cysteine.
Molecular consequence: missense variant.
Genome position (GRCh38, 1-based): chr7:128,851,539, A>G. VCF-style: chr7-128851539-A-G. GRCh37 (hg19) VCF-style: chr7-128491593-A-G.
Other names: c.5654A>G, p.Tyr1885Cys (NM_001127487.2); c.5753A>G (NM_001458.4); short protein forms Y1885C, Y1918C.
Identifiers: ClinVar variation 1025454 (VCV001025454.7), dbSNP rs1808812647, ClinGen allele CA369208311.

ClinVar aggregate classification (germline): Uncertain significance. Review status: criteria provided, multiple submitters, no conflicts (2 of 4 stars). 2 submissions from 2 submitters: Uncertain significance (2). Last evaluated 2025-02-20.

Conditions:
Myofibrillar myopathy 5. Also called: Filaminopathy (type); FILAMINOPATHY, AUTOSOMAL DOMINANT. Identifiers: Orphanet 171445, MedGen C1836050, MONDO:0012289, OMIM 609524.
Distal myopathy with posterior leg and anterior hand involvement. Also called: WILLIAMS DISTAL MYOPATHY. Identifiers: Orphanet 63273, MedGen C3279722, MONDO:0013550, OMIM 614065.
Dilated Cardiomyopathy, Dominant.
Hypertrophic cardiomyopathy 26. Also called: Cardiomyopathy, familial hypertrophic, 26. Identifiers: Orphanet 75249, MedGen C4310749, MONDO:0014883, OMIM 617047.
Cardiovascular phenotype. Identifiers: MedGen CN230736.

Submissions (2):

Ambry Genetics
Classification: Uncertain significance for Cardiovascular phenotype. Last evaluated: 2025-02-20. Review status: criteria provided, single submitter. Criteria: Ambry Variant Classification Scheme 2023. Collection method: clinical testing. Allele origin: germline.
Comment: The p.Y1918C variant (also known as c.5753A>G), located in coding exon 35 of the FLNC gene, results from an A to G substitution at nucleotide position 5753. The tyrosine at codon 1918 is replaced by cysteine, an amino acid with highly dissimilar properties. This amino acid position is conserved. In addition, this alteration is predicted to be deleterious by in silico analysis. Based on the available evidence, the clinical significance of this variant remains unclear.

Labcorp Genetics (formerly Invitae), Labcorp
Classification: Uncertain significance for Distal myopathy with posterior leg and anterior hand involvement; Myofibrillar myopathy 5; Hypertrophic cardiomyopathy 26. Last evaluated: 2021-08-27. Review status: criteria provided, single submitter. Criteria: Invitae Variant Classification Sherloc (09022015). Collection method: clinical testing. Allele origin: germline.
Comment: This sequence change replaces tyrosine with cysteine at codon 1918 of the FLNC protein (p.Tyr1918Cys). The tyrosine residue is highly conserved and there is a large physicochemical difference between tyrosine and cysteine. This variant is not present in population databases (ExAC no frequency). This variant has not been reported in the literature in individuals affected with FLNC-related conditions. Algorithms developed to predict the effect of missense changes on protein structure and function are either unavailable or do not agree on the potential impact of this missense change (SIFT: "Deleterious"; PolyPhen-2: "Probably Damaging"; Align-GVGD: "Class C0"). In summary, the available evidence is currently insufficient to determine the role of this variant in disease. Therefore, it has been classified as a Variant of Uncertain Significance.